The following is an entry in ClinVar:

NM_020702.5(MYORG):c.670A>G (p.Ile224Val)

Gene: MYORG (myogenesis regulating glycosidase; minus strand). Cytogenetic location: 9p13.3.
Variant type: single nucleotide variant.
Coding change: c.670A>G on transcript NM_020702.5 (MANE Select); coding-DNA position 670, A replaced by G.
Protein change: p.Ile224Val; replaces isoleucine 224 with valine.
Molecular consequence: missense variant.
Genome position (GRCh38, 1-based): chr9:34,372,274, T>C on the plus strand (A>G on the coding strand, the complement: MYORG is on the minus strand). VCF-style: chr9-34372274-T-C. GRCh37 (hg19) VCF-style: chr9-34372272-T-C.
Other names: c.670A>G (NM_020702.3); short protein forms I224V.
Identifiers: ClinVar variation 1681316 (VCV001681316.9), dbSNP rs749085534, ClinGen allele CA5033093.
Genomic context (GRCh38, chr9:34,372,274, plus strand): 5'-GCACTGAGTCATTGACTTTGATGGCGGCCGCGCGCGAAGATAGCCAGTAGCGCTCGAGGA[T>C]GCCCCCAAACGCGGCGTCGGAGGAGTAGACATCGCTGGTGACGAACGGCTGGGGCTCCTG-3'
Protein context (NP_065753.2, residues 214-234): VYSSDAAFGG[Ile224Val]LERYWLSSRA

ClinVar aggregate classification (germline): Uncertain significance. Review status: criteria provided, multiple submitters, no conflicts (2 of 4 stars). 2 submissions from 2 submitters: Uncertain significance (2). Last evaluated 2024-04-23.

Allele frequency attached by ClinVar (database versions not stated): gnomAD 0.00001; TOPMed 0.00002; gnomAD exomes below 0.00001; ExAC 0.00001.

Submissions (2):

Ambry Genetics
Classification: Uncertain significance. Last evaluated: 2024-04-23. Review status: criteria provided, single submitter. Criteria: Ambry Variant Classification Scheme 2023. Collection method: clinical testing. Allele origin: germline.

Labcorp Genetics (formerly Invitae), Labcorp
Classification: Uncertain significance. Last evaluated: 2022-02-05. Review status: criteria provided, single submitter. Criteria: Invitae Variant Classification Sherloc (09022015). Collection method: clinical testing. Allele origin: germline.
Comment: In summary, the available evidence is currently insufficient to determine the role of this variant in disease. Therefore, it has been classified as a Variant of Uncertain Significance. Algorithms developed to predict the effect of missense changes on protein structure and function are either unavailable or do not agree on the potential impact of this missense change (SIFT: "Tolerated"; PolyPhen-2: "Not Available"; Align-GVGD: "Class C0"). This variant has not been reported in the literature in individuals affected with KIAA1161-related conditions. The frequency data for this variant in the population databases is considered unreliable, as metrics indicate poor data quality at this position in the gnomAD database. This sequence change replaces isoleucine, which is neutral and non-polar, with valine, which is neutral and non-polar, at codon 224 of the KIAA1161 protein (p.Ile224Val).